The following is an entry in ClinVar:

NM_000064.4(C3):c.2863+5G>A

Gene: C3 (complement C3; minus strand). Cytogenetic location: 19p13.3.
Variant type: single nucleotide variant.
Coding change: c.2863+5G>A on transcript NM_000064.4 (MANE Select); 5 bases into the intron after coding-DNA position 2863, G replaced by A.
Molecular consequence: intron variant.
Genome position (GRCh38, 1-based): chr19:6,696,588, C>T on the plus strand (G>A on the coding strand, the complement: C3 is on the minus strand). VCF-style: chr19-6696588-C-T. GRCh37 (hg19) VCF-style: chr19-6696599-C-T.
Identifiers: ClinVar variation 2844557 (VCV002844557.3), dbSNP rs1042553640, ClinGen allele CA304785254.

ClinVar aggregate classification (germline): Uncertain significance (1 of 4 stars; one submission).

Allele frequency attached by ClinVar (database versions not stated): TOPMed 0.00001.

Submission:

Labcorp Genetics (formerly Invitae), Labcorp
Classification: Uncertain significance. Last evaluated: 2023-03-09. Review status: criteria provided, single submitter. Criteria: Invitae Variant Classification Sherloc (09022015). Collection method: clinical testing. Allele origin: germline.
Comment: In summary, the available evidence is currently insufficient to determine the role of this variant in disease. Therefore, it has been classified as a Variant of Uncertain Significance. Variants that disrupt the consensus splice site are a relatively common cause of aberrant splicing (PMID: 17576681, 9536098). Algorithms developed to predict the effect of sequence changes on RNA splicing suggest that this variant may disrupt the consensus splice site. This variant has not been reported in the literature in individuals affected with C3-related conditions. This variant is not present in population databases (gnomAD no frequency). This sequence change falls in intron 22 of the C3 gene. It does not directly change the encoded amino acid sequence of the C3 protein. It affects a nucleotide within the consensus splice site.

Literature cited by the submitters: PubMed 17576681; PubMed 9536098.